The following is an entry in ClinVar:

NM_031935.3(HMCN1):c.15967C>A (p.Pro5323Thr)

Gene: HMCN1 (hemicentin 1; plus strand). Cytogenetic location: 1q31.1.
Variant type: single nucleotide variant.
Coding change: c.15967C>A on transcript NM_031935.3 (MANE Select); coding-DNA position 15967, C replaced by A.
Protein change: p.Pro5323Thr; replaces proline 5323 with threonine.
Molecular consequence: missense variant.
Genome position (GRCh38, 1-based): chr1:186,178,439, C>A. VCF-style: chr1-186178439-C-A. GRCh37 (hg19) VCF-style: chr1-186147571-C-A.
Other names: c.15967C>A (NM_031935.2); short protein forms P5323T.
Identifiers: ClinVar variation 1461273 (VCV001461273.7), dbSNP rs540719952, ClinGen allele CA1295452.

ClinVar aggregate classification (germline): Uncertain significance. Review status: criteria provided, multiple submitters, no conflicts (2 of 4 stars). 2 submissions from 2 submitters: Uncertain significance (2). Last evaluated 2025-10-16.

Allele frequency attached by ClinVar (database versions not stated): gnomAD exomes 0.00001 and 0.00002; ExAC 0.00002; gnomAD 0.00010; TOPMed 0.00012; 1000 Genomes Project 30x 0.00016; 1000 Genomes Project 0.00020.
gnomAD v4.1: 25 of 1,613,606 alleles (0.0015%); highest among the groups gnomAD compares: African/African-American, 0.033%; no homozygotes.

Submissions (2):

Labcorp Genetics (formerly Invitae), Labcorp
Classification: Uncertain significance. Last evaluated: 2025-10-16. Review status: criteria provided, single submitter. Criteria: Invitae Variant Classification Sherloc (09022015). Collection method: clinical testing. Allele origin: germline.
Comment: This sequence change replaces proline, which is neutral and non-polar, with threonine, which is neutral and polar, at codon 5323 of the HMCN1 protein (p.Pro5323Thr). This variant is present in population databases (rs540719952, gnomAD 0.03%). This variant has not been reported in the literature in individuals affected with HMCN1-related conditions. ClinVar contains an entry for this variant (Variation ID: 1461273). An algorithm developed to predict the effect of missense changes on protein structure and function (PolyPhen-2) suggests that this variant is likely to be tolerated. In summary, the available evidence is currently insufficient to determine the role of this variant in disease. Therefore, it has been classified as a Variant of Uncertain Significance.

Ambry Genetics
Classification: Uncertain significance. Last evaluated: 2024-09-10. Review status: criteria provided, single submitter. Criteria: Ambry Variant Classification Scheme 2023. Collection method: clinical testing. Allele origin: germline.